The following is an entry in ClinVar:

NM_005751.5(AKAP9):c.1268A>T (p.Glu423Val)

Gene: AKAP9 (A-kinase anchoring protein 9; plus strand). Cytogenetic location: 7q21.2.
Variant type: single nucleotide variant.
Coding change: c.1268A>T on transcript NM_005751.5 (MANE Select); coding-DNA position 1268, A replaced by T.
Protein change: p.Glu423Val; replaces glutamic acid 423 with valine.
Molecular consequence: missense variant.
Genome position (GRCh38, 1-based): chr7:92,001,185, A>T. VCF-style: chr7-92001185-A-T. GRCh37 (hg19) VCF-style: chr7-91630499-A-T.
Other names: c.1268A>T, p.Glu423Val (NM_147185.3); short protein forms E423V.
Identifiers: ClinVar variation 457088 (VCV000457088.9), dbSNP rs777495335, ClinGen allele CA4335992.

ClinVar aggregate classification (germline): Uncertain significance. Review status: criteria provided, multiple submitters, no conflicts (2 of 4 stars). 2 submissions from 2 submitters: Uncertain significance (2). Last evaluated 2025-08-07.

Conditions:
Cardiovascular phenotype. Identifiers: MedGen CN230736.
Long QT syndrome (LQTS). Identifiers: MedGen C0023976, MeSH D008133, MONDO:0002442. Disease mechanism: loss of function. Inheritance: Various modes of inheritance.

Allele frequency attached by ClinVar (database versions not stated): gnomAD exomes below 0.00001 and 0.00001; ExAC 0.00001.
gnomAD v4.1: 2 of 1,614,068 alleles (0.00012%); highest among the groups gnomAD compares: East Asian, 0.0045%; no homozygotes.

Submissions (2):

Ambry Genetics
Classification: Uncertain significance for Cardiovascular phenotype. Last evaluated: 2025-08-07. Review status: criteria provided, single submitter. Criteria: Ambry Variant Classification Scheme 2023. Collection method: clinical testing. Allele origin: germline.

Labcorp Genetics (formerly Invitae), Labcorp
Classification: Uncertain significance for Long QT syndrome. Last evaluated: 2025-04-13. Review status: criteria provided, single submitter. Criteria: Invitae Variant Classification Sherloc (09022015). Collection method: clinical testing. Allele origin: germline.
Comment: This sequence change replaces glutamic acid, which is acidic and polar, with valine, which is neutral and non-polar, at codon 423 of the AKAP9 protein (p.Glu423Val). This variant is present in population databases (rs777495335, gnomAD 0.01%). This variant has not been reported in the literature in individuals affected with AKAP9-related conditions. ClinVar contains an entry for this variant (Variation ID: 457088). An algorithm developed to predict the effect of missense changes on protein structure and function (PolyPhen-2) suggests that this variant is likely to be disruptive. In summary, the available evidence is currently insufficient to determine the role of this variant in disease. Therefore, it has been classified as a Variant of Uncertain Significance.